The following is an entry in ClinVar:

NM_014855.3(AP5Z1):c.595T>G (p.Phe199Val)

Gene: AP5Z1 (adaptor related protein complex 5 subunit zeta 1; plus strand). Cytogenetic location: 7p22.1.
Variant type: single nucleotide variant.
Coding change: c.595T>G on transcript NM_014855.3 (MANE Select); coding-DNA position 595, T replaced by G.
Protein change: p.Phe199Val; replaces phenylalanine 199 with valine.
Molecular consequence: missense variant. On other transcripts: non-coding transcript variant (1).
Genome position (GRCh38, 1-based): chr7:4,783,772, T>G. VCF-style: chr7-4783772-T-G. GRCh37 (hg19) VCF-style: chr7-4823403-T-G.
Other names: c.127T>G, p.Phe43Val (NM_001364858.1); short protein forms F199V, F43V.
Identifiers: ClinVar variation 2593688 (VCV002593688.3), dbSNP rs1034440470, ClinGen allele CA153020431.

ClinVar aggregate classification (germline): Uncertain significance (1 of 4 stars; one submission).

Conditions:
Inborn genetic diseases. Identifiers: MedGen C0950123, MeSH D030342.

Allele frequency attached by ClinVar (database versions not stated): gnomAD 0.00003; TOPMed 0.00002; gnomAD exomes 0.00002.
gnomAD v4.1: 31 of 1,549,794 alleles (0.002%); highest among the groups gnomAD compares: Middle Eastern, 0.017%; no homozygotes.

Submission:

Ambry Genetics
Classification: Uncertain significance for Inborn genetic diseases. Last evaluated: 2025-11-20. Review status: criteria provided, single submitter. Criteria: Ambry Variant Classification Scheme 2023. Collection method: clinical testing. Allele origin: germline.
Comment: The c.595T>G (p.F199V) alteration is located in exon 5 (coding exon 5) of the AP5Z1 gene. This alteration results from a T to G substitution at nucleotide position 595, causing the phenylalanine (F) at amino acid position 199 to be replaced by a valine (V). Based on data from gnomAD, the G allele has an overall frequency of 0.003% (4/154096) total alleles studied. The highest observed frequency was 0.012% (3/24742) of Latino alleles. Based on insufficient or conflicting evidence, the clinical significance of this alteration remains unclear.